The following is an entry in ClinVar:

ClinVar aggregate classification (germline): Uncertain significance (1 of 4 stars; one submission).

Conditions:
Dilated cardiomyopathy 1G (CMD1G). Identifiers: Orphanet 154, MedGen C1858763, MONDO:0011400, OMIM 604145.
Autosomal recessive limb-girdle muscular dystrophy type 2J (LGMDR10). Also called: MUSCULAR DYSTROPHY, LIMB-GIRDLE, AUTOSOMAL RECESSIVE 10; Limb-girdle muscular dystrophy, type 2J. Identifiers: Orphanet 140922, MedGen C1837342, MONDO:0012127, OMIM 608807.

Allele frequency attached by ClinVar (database versions not stated): gnomAD exomes below 0.00001.
gnomAD v4.1: 2 of 1,614,044 alleles (0.00012%); highest among the groups gnomAD compares: East Asian, 0.0045%; no homozygotes.

Submission:

Labcorp Genetics (formerly Invitae), Labcorp
Classification: Uncertain significance for Dilated cardiomyopathy 1G; Autosomal recessive limb-girdle muscular dystrophy type 2J. Last evaluated: 2022-05-04. Review status: criteria provided, single submitter. Criteria: Invitae Variant Classification Sherloc (09022015). Collection method: clinical testing. Allele origin: germline.
Comment: This sequence change falls in intron 27 of the TTN gene. It does not directly change the encoded amino acid sequence of the TTN protein. It affects a nucleotide within the consensus splice site. This variant is not present in population databases (gnomAD no frequency). This variant has not been reported in the literature in individuals affected with TTN-related conditions. Variants that disrupt the consensus splice site are a relatively common cause of aberrant splicing (PMID: 17576681, 9536098). Algorithms developed to predict the effect of sequence changes on RNA splicing suggest that this variant is not likely to affect RNA splicing. In summary, the available evidence is currently insufficient to determine the role of this variant in disease. Therefore, it has been classified as a Variant of Uncertain Significance.

Literature cited by the submitters: PubMed 17576681; PubMed 9536098.

NM_001267550.2(TTN):c.4814+6T>C

Genes: TTN (titin; minus strand), LOC101927055 (uncharacterized LOC101927055; plus strand). Cytogenetic location: 2q31.2.
Variant type: single nucleotide variant.
Coding change: c.4814+6T>C on transcript NM_001267550.2 (MANE Select); 6 bases into the intron after coding-DNA position 4814, T replaced by C.
Molecular consequence: intron variant. On other transcripts: non-coding transcript variant (1).
Genome position (GRCh38, 1-based): chr2:178,777,143, A>G on the plus strand (T>C on the coding strand, the complement: TTN is on the minus strand). VCF-style: chr2-178777143-A-G. GRCh37 (hg19) VCF-style: chr2-179641870-A-G.
Other names: c.4676+6T>C (NM_003319.4, NM_133437.4, NM_133432.3); c.4814+6T>C (NM_133378.4, NM_001256850.1, NM_133379.5).
Identifiers: ClinVar variation 2133496 (VCV002133496.1), dbSNP rs2092318376, ClinGen allele CA430281101.